The following is an entry in ClinVar:

NM_001205293.3(CACNA1E):c.164C>G (p.Pro55Arg)

Gene: CACNA1E (calcium voltage-gated channel subunit alpha1 E; plus strand). Cytogenetic location: 1q25.3.
Variant type: single nucleotide variant.
Coding change: c.164C>G on transcript NM_001205293.3 (MANE Select); coding-DNA position 164, C replaced by G.
Protein change: p.Pro55Arg; replaces proline 55 with arginine.
Molecular consequence: missense variant.
Genome position (GRCh38, 1-based): chr1:181,483,908, C>G. VCF-style: chr1-181483908-C-G. GRCh37 (hg19) VCF-style: chr1-181453044-C-G.
Other names: c.164C>G, p.Pro55Arg (NM_000721.4, NM_001205294.2); short protein forms P55R.
Identifiers: ClinVar variation 2506803 (VCV002506803.3), dbSNP rs1224971273, ClinGen allele CA343844483.

ClinVar aggregate classification (germline): Uncertain significance. Review status: criteria provided, multiple submitters, no conflicts (2 of 4 stars). 2 submissions from 2 submitters: Uncertain significance (2). Last evaluated 2024-04-24.

Allele frequency attached by ClinVar (database versions not stated): gnomAD exomes below 0.00001; TOPMed below 0.00001; gnomAD 0.00001.
gnomAD v4.1: 3 of 1,613,658 alleles (0.00019%); highest among the groups gnomAD compares: Non-Finnish European, 0.00025%; no homozygotes.

Submissions (2):

Blueprint Genetics
Classification: Uncertain significance. Last evaluated: 2024-04-24. Review status: criteria provided, single submitter. Criteria: ACMG Guidelines, 2015. Collection method: clinical testing. Allele origin: germline.

GeneDx
Classification: Uncertain significance. Last evaluated: 2023-11-01. Review status: criteria provided, single submitter. Criteria: GeneDx Variant Classification Process June 2021. Collection method: clinical testing. Allele origin: germline. Affected: yes.
Comment: In silico analysis supports that this missense variant has a deleterious effect on protein structure/function; Has not been previously published as pathogenic or benign to our knowledge